The following is an entry in ClinVar:

ClinVar aggregate classification (germline): Pathogenic (1 of 4 stars; one submission).

Conditions:
Age related macular degeneration 4. Identifiers: MedGen C1853147, MONDO:0012540, OMIM 610698.

gnomAD v4.1: 1 of 1,612,932 alleles (0.000062%); highest among the groups gnomAD compares: Non-Finnish European, 0.000085%; no homozygotes.

Submission:

Genomenon, Inc
Classification: Pathogenic for Age related macular degeneration 4. Last evaluated: 2025-10-02. Review status: criteria provided, single submitter. Criteria: Genomenon Sequence Variant Interpretation Standards - Updated. Collection method: curation. Allele origin: germline. Affected: yes.
Comment: CFH p.Trp198Ter (c.593G>A) is a nonsense variant that introduces a premature stop codon at amino acid position 198, creating a truncated protein that is predicted to undergo nonsense-mediated mRNA decay. This variant has been observed in at least one proband affected with age-related macular degeneration (PMID:29686068;26501415). It is absent or not present at a significant frequency in gnomAD. In conclusion, we classify CFH p.Trp198Ter (c.593G>A) as a pathogenic variant.

Literature cited by the submitters: PubMed 29686068; PubMed 26501415.

NM_000186.4(CFH):c.593G>A (p.Trp198Ter)

Gene: CFH (complement factor H; plus strand). Cytogenetic location: 1q31.3.
Variant type: single nucleotide variant.
Coding change: c.593G>A on transcript NM_000186.4 (MANE Select); coding-DNA position 593, G replaced by A.
Protein change: p.Trp198Ter; replaces tryptophan 198 with a stop codon.
Molecular consequence: nonsense.
Genome position (GRCh38, 1-based): chr1:196,677,641, G>A. VCF-style: chr1-196677641-G-A. GRCh37 (hg19) VCF-style: chr1-196646771-G-A.
Other names: c.593G>A, p.Trp198Ter (NM_001014975.3); short protein forms W198*.
Identifiers: ClinVar variation 4291305 (VCV004291305.1).
Genomic context (GRCh38, chr1:196,677,641, plus strand): 5'-GTAACTCAGGCTACAAGATTGAAGGAGATGAAGAAATGCATTGTTCAGACGATGGTTTTT[G>A]GAGTAAAGAGAAACCAAAGTGTGTGGGTAAGATACACTTACTGTTTTAGTATTTTTAGCT-3'